The following is an entry in ClinVar:

ClinVar aggregate classification (germline): Uncertain significance (1 of 4 stars; one submission).

Conditions:
Gastrointestinal stromal tumor. Also called: Gastrointestinal stromal tumor, somatic; Gastrointestinal stroma tumor. Identifiers: Orphanet 44890, MedGen C0238198, MeSH D046152, MONDO:0011719, OMIM 606764, HP:0100723.

Submission:

Labcorp Genetics (formerly Invitae), Labcorp
Classification: Uncertain significance for Gastrointestinal stromal tumor. Last evaluated: 2023-08-04. Review status: criteria provided, single submitter. Criteria: Invitae Variant Classification Sherloc (09022015). Collection method: clinical testing. Allele origin: germline.
Comment: This sequence change replaces isoleucine, which is neutral and non-polar, with threonine, which is neutral and polar, at codon 805 of the KIT protein (p.Ile805Thr). This variant is not present in population databases (gnomAD no frequency). This variant has not been reported in the literature in individuals affected with KIT-related conditions. An algorithm developed to predict the effect of missense changes on protein structure and function (PolyPhen-2) suggests that this variant is likely to be disruptive. In summary, the available evidence is currently insufficient to determine the role of this variant in disease. Therefore, it has been classified as a Variant of Uncertain Significance.

NM_000222.3(KIT):c.2414T>C (p.Ile805Thr)

Gene: KIT (KIT proto-oncogene, receptor tyrosine kinase; plus strand). Cytogenetic location: 4q12.
Variant type: single nucleotide variant.
Coding change: c.2414T>C on transcript NM_000222.3 (MANE Select); coding-DNA position 2414, T replaced by C.
Protein change: p.Ile805Thr; replaces isoleucine 805 with threonine.
Molecular consequence: missense variant.
Genome position (GRCh38, 1-based): chr4:54,733,122, T>C. VCF-style: chr4-54733122-T-C. GRCh37 (hg19) VCF-style: chr4-55599288-T-C.
Other names: c.2402T>C, p.Ile801Thr (NM_001385292.1, NM_001093772.2); c.2417T>C, p.Ile806Thr (NM_001385284.1); c.2411T>C, p.Ile804Thr (NM_001385285.1); c.2399T>C, p.Ile800Thr (NM_001385286.1); c.2405T>C, p.Ile802Thr (NM_001385288.1); c.2414T>C, p.Ile805Thr (NM_001385290.1); short protein forms I804T, I800T, I805T, I806T, I801T, I802T.
Identifiers: ClinVar variation 2916130 (VCV002916130.3), dbSNP rs2109801437, ClinGen allele CA356911661.